The following is an entry in ClinVar:

ClinVar aggregate classification (germline): Conflicting classifications of pathogenicity. Review status: criteria provided, conflicting classifications (1 of 4 stars). 5 submissions from 5 submitters: Uncertain significance (4); Likely benign (1). Last evaluated 2026-01-11.

Conditions:
KCNJ2-related disorder. Also called: KCNJ2-related condition.
Cardiovascular phenotype. Identifiers: MedGen CN230736.
Short QT syndrome type 3. Identifiers: Orphanet 51083, MedGen C1865018, MONDO:0012314, OMIM 609622.
Andersen Tawil syndrome (LQT7). Also called: Andersen Syndrome; LONG QT SYNDROME 7; ANDERSEN CARDIODYSRHYTHMIC PERIODIC PARALYSIS; PERIODIC PARALYSIS, POTASSIUM-SENSITIVE CARDIODYSRHYTHMIC TYPE; Potassium-sensitive periodic paralysis, ventricular ectopy, and dysmorphic features. Identifiers: Orphanet 37553, MedGen C1563715, MONDO:0008222, OMIM 170390.

Allele frequency attached by ClinVar (database versions not stated): ExAC 0.00001; gnomAD 0.00001; gnomAD exomes 0.00001; TOPMed 0.00002; ESP Exome Variant Server 0.00008.
gnomAD v4.1: 18 of 1,614,050 alleles (0.0011%); highest among the groups gnomAD compares: Middle Eastern, 0.016%; no homozygotes.

Submissions (5):

Labcorp Genetics (formerly Invitae), Labcorp
Classification: Uncertain significance for Short QT syndrome type 3; Andersen Tawil syndrome. Last evaluated: 2026-01-11. Review status: criteria provided, single submitter. Criteria: Invitae Variant Classification Sherloc (09022015). Collection method: clinical testing. Allele origin: germline.
Comment: This sequence change replaces threonine, which is neutral and polar, with methionine, which is neutral and non-polar, at codon 130 of the KCNJ2 protein (p.Thr130Met). This variant is present in population databases (rs151168735, gnomAD 0.006%). This variant has not been reported in the literature in individuals affected with KCNJ2-related conditions. ClinVar contains an entry for this variant (Variation ID: 969996). Invitae Evidence Modeling of protein sequence and biophysical properties (such as structural, functional, and spatial information, amino acid conservation, physicochemical variation, residue mobility, and thermodynamic stability) indicates that this missense variant is not expected to disrupt KCNJ2 protein function with a negative predictive value of 95%. In summary, the available evidence is currently insufficient to determine the role of this variant in disease. Therefore, it has been classified as a Variant of Uncertain Significance.

PreventionGenetics, part of Exact Sciences
Classification: Uncertain significance for KCNJ2-related condition. Last evaluated: 2025-12-10. Review status: criteria provided, single submitter. Criteria: ACMG Guidelines, 2015. Collection method: clinical testing. Allele origin: germline.
Comment: The KCNJ2 c.389C>T variant is predicted to result in the amino acid substitution p.Thr130Met. To our knowledge, this variant has not been reported in the literature. This variant is reported in 0.0062% of alleles in individuals of African descent in gnomAD. At this time, the clinical significance of this variant is uncertain due to the absence of conclusive functional and genetic evidence.

Blueprint Genetics
Classification: Likely benign. Last evaluated: 2024-04-25. Review status: criteria provided, single submitter. Criteria: ACMG Guidelines, 2015. Collection method: clinical testing. Allele origin: germline.

GeneDx
Classification: Uncertain significance. Last evaluated: 2022-09-01. Review status: criteria provided, single submitter. Criteria: GeneDx Variant Classification Process June 2021. Collection method: clinical testing. Allele origin: germline. Affected: yes.
Comment: Has not been published in association with KCNJ2-related disorders to our knowledge; Not observed at significant frequency in large population cohorts (gnomAD); In silico analysis supports that this missense variant does not alter protein structure/function; This variant is associated with the following publications: (PMID: 27456059)

Ambry Genetics
Classification: Uncertain significance for Cardiovascular phenotype. Last evaluated: 2019-12-05. Review status: criteria provided, single submitter. Criteria: Ambry Variant Classification Scheme 2023. Collection method: clinical testing. Allele origin: germline.
Comment: The p.T130M variant (also known as c.389C>T), located in coding exon 1 of the KCNJ2 gene, results from a C to T substitution at nucleotide position 389. The threonine at codon 130 is replaced by methionine, an amino acid with similar properties. This variant has been detected in a cleft lip and palate cohort (Pengelly RJ et al. Sci Rep, 2016 07;6:30457). This amino acid position is highly conserved in available vertebrate species. In addition, this alteration is predicted to be deleterious by in silico analysis. Since supporting evidence is limited at this time, the clinical significance of this alteration remains unclear.

Literature cited by the submitters: PubMed 27456059 (cited by Ambry Genetics).

NM_000891.3(KCNJ2):c.389C>T (p.Thr130Met)

Gene: KCNJ2 (potassium inwardly rectifying channel subfamily J member 2; plus strand). Cytogenetic location: 17q24.3.
Variant type: single nucleotide variant.
Coding change: c.389C>T on transcript NM_000891.3 (MANE Select); coding-DNA position 389, C replaced by T.
Protein change: p.Thr130Met; replaces threonine 130 with methionine.
Molecular consequence: missense variant.
Genome position (GRCh38, 1-based): chr17:70,175,428, C>T. VCF-style: chr17-70175428-C-T. GRCh37 (hg19) VCF-style: chr17-68171569-C-T.
Other names: short protein forms T130M.
Identifiers: ClinVar variation 969996 (VCV000969996.16), dbSNP rs151168735, ClinGen allele CA8738722.